The following is an entry in ClinVar:

NM_016169.4(SUFU):c.*742G>A

Gene: SUFU (SUFU negative regulator of hedgehog signaling; plus strand). Cytogenetic location: 10q24.32.
Variant type: single nucleotide variant.
Coding change: c.*742G>A on transcript NM_016169.4 (MANE Select); 742 bases downstream of the stop codon, G replaced by A.
Molecular consequence: 3 prime UTR variant.
Genome position (GRCh38, 1-based): chr10:102,630,897, G>A. VCF-style: chr10-102630897-G-A. GRCh37 (hg19) VCF-style: chr10-104390654-G-A.
Identifiers: ClinVar variation 879702 (VCV000879702.4), dbSNP rs142145337, ClinGen allele CA212251084.

ClinVar aggregate classification (germline): Likely benign (1 of 4 stars; one submission).

Conditions:
Medulloblastoma (MDB). Also called: Medulloblastoma, somatic; MEDULLOBLASTOMA PREDISPOSITION SYNDROME. Identifiers: Orphanet 616, MedGen C0025149, MeSH D008527, MONDO:0007959, OMIM 155255, HP:0002885.

Allele frequency attached by ClinVar (database versions not stated): 1000 Genomes Project 0.00280; 1000 Genomes Project 30x 0.00312; TOPMed 0.00549; gnomAD exomes 0.00704.
gnomAD v4.1: 1,374 of 235,612 alleles (0.58%); highest among the groups gnomAD compares: Non-Finnish European, 0.88%; 4 homozygotes.

Submission:

Illumina Laboratory Services, Illumina
Classification: Likely benign for Medulloblastoma. Last evaluated: 2018-01-13. Review status: criteria provided, single submitter. Criteria: ICSL Variant Classification Criteria 13 December 2019. Collection method: clinical testing. Allele origin: germline.
Comment: This variant was observed in the ICSL laboratory as part of a predisposition screen in an ostensibly healthy population. It had not been previously curated by ICSL or reported in the Human Gene Mutation Database (HGMD: prior to June 1st, 2018), and was therefore a candidate for classification through an automated scoring system. Utilizing variant allele frequency, disease prevalence and penetrance estimates, and inheritance mode, an automated score was calculated to assess if this variant is too frequent to cause the disease. Based on the score and internal cut-off values, a variant classified as likely benign is not then subjected to further curation. The score for this variant resulted in a classification of likely benign for this disease.